The following is an entry in ClinVar:

NM_000548.5(TSC2):c.3448C>T (p.Leu1150=)

Gene: TSC2 (TSC complex subunit 2; plus strand). Cytogenetic location: 16p13.3.
Variant type: single nucleotide variant.
Coding change: c.3448C>T on transcript NM_000548.5 (MANE Select); coding-DNA position 3448, C replaced by T.
Protein change: p.Leu1150=; no amino-acid change (leucine 1150 retained).
Molecular consequence: synonymous variant.
Genome position (GRCh38, 1-based): chr16:2,080,215, C>T. VCF-style: chr16-2080215-C-T. GRCh37 (hg19) VCF-style: chr16-2130216-C-T.
Other names: c.3316C>T, p.Leu1106= (NM_001077183.3, NM_001370404.1); c.3448C>T, p.Leu1150= (NM_001114382.3); c.3208C>T, p.Leu1070= (NM_001318827.2); c.3172C>T, p.Leu1058= (NM_001318829.2); c.2716C>T, p.Leu906= (NM_001318831.2); c.3349C>T, p.Leu1117= (NM_001318832.2); c.3319C>T, p.Leu1107= (NM_001363528.2, NM_001370405.1, NM_021055.3).
Identifiers: ClinVar variation 413747 (VCV000413747.15), dbSNP rs1060504121, ClinGen allele CA16615119.

ClinVar aggregate classification (germline): Benign/Likely benign. Review status: criteria provided, multiple submitters, no conflicts (2 of 4 stars). 3 submissions from 3 submitters: Benign (1); Likely benign (2). Last evaluated 2026-01-19.

Conditions:
Hereditary cancer-predisposing syndrome. Also called: Tumor predisposition; Neoplastic Syndromes, Hereditary; Hereditary Cancer Syndrome; Hereditary neoplastic syndrome. Identifiers: Orphanet 140162, MedGen C0027672, MeSH D009386, MONDO:0015356.
Tuberous sclerosis 2 (TSC2). Identifiers: Orphanet 805, MedGen C1860707, MONDO:0013199, OMIM 613254.

Submissions (3):

Labcorp Genetics (formerly Invitae), Labcorp
Classification: Likely benign for Tuberous sclerosis 2. Last evaluated: 2026-01-19. Review status: criteria provided, single submitter. Criteria: Invitae Variant Classification Sherloc (09022015). Collection method: clinical testing. Allele origin: germline.

Myriad Genetics, Inc.
Classification: Benign for Tuberous sclerosis 2. Last evaluated: 2025-05-29. Review status: criteria provided, single submitter. Criteria: Myriad Autosomal Dominant, Autosomal Recessive and X-Linked Classification Criteria (2023). Collection method: clinical testing. Allele origin: unknown.
Comment: This variant is considered benign. This variant is a silent/synonymous amino acid change and it is not expected to impact splicing.

Ambry Genetics
Classification: Likely benign for Hereditary cancer-predisposing syndrome. Last evaluated: 2021-08-02. Review status: criteria provided, single submitter. Criteria: Ambry Variant Classification Scheme 2023. Collection method: clinical testing. Allele origin: germline.